The following is an entry in ClinVar:

NM_001370658.1(BTD):c.1068G>C (p.Gln356His)

Gene: BTD (biotinidase; plus strand). Cytogenetic location: 3p25.1.
Variant type: single nucleotide variant.
Coding change: c.1068G>C on transcript NM_001370658.1 (MANE Select); coding-DNA position 1068, G replaced by C.
Protein change: p.Gln356His; replaces glutamine 356 with histidine.
Molecular consequence: missense variant. On other transcripts: intron variant (2).
Genome position (GRCh38, 1-based): chr3:15,644,984, G>C. VCF-style: chr3-15644984-G-C. GRCh37 (hg19) VCF-style: chr3-15686491-G-C.
Other names: c.1128G>C, p.Gln376His (NM_000060.4); c.1068G>C, p.Gln356His (NM_001281723.4, NM_001281724.3, NM_001281725.3 and 16 more transcripts); c.1015+53G>C (NM_001370752.1); c.399+2927G>C (NM_001370753.1); short protein forms Q356H, Q376H.
Identifiers: ClinVar variation 1715258 (VCV001715258.3), dbSNP rs891263072, ClinGen allele CA351608134.

ClinVar aggregate classification (germline): Uncertain significance (1 of 4 stars; one submission).

Conditions:
Biotinidase deficiency. Also called: BTD deficiency; Late-onset biotin-responsive multiple carboxylase deficiency; Biotin deficiency. Identifiers: Orphanet 79241, MedGen C0220754, MONDO:0009665, OMIM 253260.

Submission:

Labcorp Genetics (formerly Invitae), Labcorp
Classification: Uncertain significance for Biotinidase deficiency. Last evaluated: 2022-08-06. Review status: criteria provided, single submitter. Criteria: Invitae Variant Classification Sherloc (09022015). Collection method: clinical testing. Allele origin: germline.
Comment: This sequence change replaces glutamine, which is neutral and polar, with histidine, which is basic and polar, at codon 376 of the BTD protein (p.Gln376His). This variant is not present in population databases (gnomAD no frequency). This variant has not been reported in the literature in individuals affected with BTD-related conditions. Algorithms developed to predict the effect of missense changes on protein structure and function (SIFT, PolyPhen-2, Align-GVGD) all suggest that this variant is likely to be tolerated. In summary, the available evidence is currently insufficient to determine the role of this variant in disease. Therefore, it has been classified as a Variant of Uncertain Significance.